The following is an entry in ClinVar:

ClinVar aggregate classification (germline): Pathogenic (1 of 4 stars; one submission).

Conditions:
Tumor predisposition syndrome 3 (TPDS3). Also called: Melanoma, cutaneous malignant, susceptibility to, 10; LONG TELOMERE SYNDROME, POT1-RELATED; POT1 Tumor Predisposition; Glioma susceptibility 9. Identifiers: Orphanet 618, MedGen C4014476, MONDO:0014368, OMIM 615848.

Submission:

Labcorp Genetics (formerly Invitae), Labcorp
Classification: Pathogenic for Tumor predisposition syndrome 3. Last evaluated: 2022-11-16. Review status: criteria provided, single submitter. Criteria: Invitae Variant Classification Sherloc (09022015). Collection method: clinical testing. Allele origin: germline.
Comment: This variant disrupts a region of the POT1 protein in which other variant(s) (p.Arg117Cys) have been determined to be pathogenic (PMID: 26403419; Invitae). This suggests that this is a clinically significant region of the protein, and that variants that disrupt it are likely to be disease-causing. This sequence change affects the initiator methionine of the POT1 mRNA. The next in-frame methionine is located at codon 132. This variant is not present in population databases (gnomAD no frequency). This variant has not been reported in the literature in individuals affected with POT1-related conditions. For these reasons, this variant has been classified as Pathogenic.

Literature cited by the submitters: PubMed 26403419.

NM_015450.3(POT1):c.3G>A (p.Met1Ile)

Gene: POT1 (protection of telomeres 1; minus strand). Cytogenetic location: 7q31.33.
Variant type: single nucleotide variant.
Coding change: c.3G>A on transcript NM_015450.3 (MANE Select); coding-DNA position 3, G replaced by A.
Protein change: p.Met1Ile; changes the start codon (methionine 1).
Molecular consequence: missense variant, initiator codon variant. On other transcripts: 5 prime UTR variant (1), non-coding transcript variant (3).
Genome position (GRCh38, 1-based): chr7:124,897,171, C>T on the plus strand (G>A on the coding strand, the complement: POT1 is on the minus strand). VCF-style: chr7-124897171-C-T. GRCh37 (hg19) VCF-style: chr7-124537225-C-T.
Other names: c.-260G>A (NM_001042594.2); short protein forms M1I.
Identifiers: ClinVar variation 2811140 (VCV002811140.3), dbSNP rs2485575164, ClinGen allele CA369066372.